The following is an entry in ClinVar:

NM_022124.6(CDH23):c.3881A>G (p.Gln1294Arg)

Genes: C10orf105 (chromosome 10 open reading frame 105; minus strand), CDH23 (cadherin related 23; plus strand). Cytogenetic location: 10q22.1.
Variant type: single nucleotide variant.
Coding change: c.3881A>G on transcript NM_022124.6 (MANE Select); coding-DNA position 3881, A replaced by G.
Protein change: p.Gln1294Arg; replaces glutamine 1294 with arginine.
Molecular consequence: missense variant. On other transcripts: intron variant (1).
Genome position (GRCh38, 1-based): chr10:71,732,152, A>G. VCF-style: chr10-71732152-A-G. GRCh37 (hg19) VCF-style: chr10-73491909-A-G.
Other names: c.3881A>G, p.Gln1294Arg (NM_001171930.2); c.-6+5576T>C (NM_001168390.2); short protein forms Q1294R.
Identifiers: ClinVar variation 3141208 (VCV003141208.2), dbSNP rs1839411953, ClinGen allele CA377156454.

ClinVar aggregate classification (germline): Uncertain significance. Review status: criteria provided, multiple submitters, no conflicts (2 of 4 stars). 2 submissions from 2 submitters: Uncertain significance (2). Last evaluated 2025-12-08.

Conditions:
Inborn genetic diseases. Identifiers: MedGen C0950123, MeSH D030342.

Allele frequency attached by ClinVar (database versions not stated): gnomAD exomes below 0.00001; TOPMed below 0.00001.
gnomAD v4.1: 1 of 1,614,026 alleles (0.000062%); highest among the groups gnomAD compares: Admixed American, 0.0017%; no homozygotes.

Submissions (2):

Labcorp Genetics (formerly Invitae), Labcorp
Classification: Uncertain significance. Last evaluated: 2025-12-08. Review status: criteria provided, single submitter. Criteria: Invitae Variant Classification Sherloc (09022015). Collection method: clinical testing. Allele origin: germline.
Comment: This sequence change replaces glutamine, which is neutral and polar, with arginine, which is basic and polar, at codon 1294 of the CDH23 protein (p.Gln1294Arg). This variant is not present in population databases (gnomAD no frequency). This variant has not been reported in the literature in individuals affected with CDH23-related conditions. ClinVar contains an entry for this variant (Variation ID: 3141208). An algorithm developed to predict the effect of missense changes on protein structure and function outputs the following: PolyPhen-2: "Not Available". The arginine amino acid residue is found in multiple mammalian species, which suggests that this missense change does not adversely affect protein function. In summary, the available evidence is currently insufficient to determine the role of this variant in disease. Therefore, it has been classified as a Variant of Uncertain Significance.

Ambry Genetics
Classification: Uncertain significance for Inborn genetic diseases. Last evaluated: 2023-11-22. Review status: criteria provided, single submitter. Criteria: Ambry Variant Classification Scheme 2023. Collection method: clinical testing. Allele origin: germline.